The following is an entry in ClinVar:

ClinVar aggregate classification (germline): Pathogenic. Review status: criteria provided, single submitter (1 of 4 stars). 2 submissions from 2 submitters: Pathogenic (1). 1 of the submissions does not count toward it. Last evaluated 2023-03-19.

Conditions:
Glycosylphosphatidylinositol biosynthesis defect 15. Also called: DEVELOPMENTAL DELAY, EPILEPSY, CEREBELLAR ATROPHY, AND OSTEOPENIA. Identifiers: Orphanet 529665, MedGen C4540520, MONDO:0060627, OMIM 617810.

Submissions (2):

Labcorp Genetics (formerly Invitae), Labcorp
Classification: Pathogenic. Last evaluated: 2023-03-19. Review status: criteria provided, single submitter. Criteria: Invitae Variant Classification Sherloc (09022015). Collection method: clinical testing. Allele origin: germline.
Comment: For these reasons, this variant has been classified as Pathogenic. ClinVar contains an entry for this variant (Variation ID: 453249). This premature translational stop signal has been observed in individual(s) with GPAA1-related conditions (PMID: 29100095). It has also been observed to segregate with disease in related individuals. This variant is not present in population databases (gnomAD no frequency). This sequence change creates a premature translational stop signal (p.Gly307Alafs*11) in the GPAA1 gene. It is expected to result in an absent or disrupted protein product. Loss-of-function variants in GPAA1 are known to be pathogenic (PMID: 29100095).

OMIM
Classification: Pathogenic for GLYCOSYLPHOSPHATIDYLINOSITOL BIOSYNTHESIS DEFECT 15. Last evaluated: 2017-12-18. Review status: no assertion criteria provided. Collection method: literature only. Allele origin: germline. Not counted in ClinVar's aggregate classification.

Literature cited by the submitters: PubMed 29100095 (cited by Labcorp Genetics (formerly Invitae), Labcorp and OMIM).

NM_003801.4(GPAA1):c.920del (p.Gly307fs)

Gene: GPAA1 (glycosylphosphatidylinositol anchor attachment 1; plus strand). Cytogenetic location: 8q24.3.
Variant type: Deletion.
Coding change: c.920del on transcript NM_003801.4 (MANE Select); coding-DNA position 920, one base deleted (G; older notation c.920delG).
Protein change: p.Gly307fs; shifts the reading frame from glycine 307.
Molecular consequence: frameshift variant.
Genome position (GRCh38, 1-based): chr8:144,084,519, G deleted; the last of 2 consecutive G bases (chr8:144,084,518-144,084,519); deleting either gives the same sequence. VCF-style (leftmost placement, unchanged base first): chr8-144084517-TG-T. GRCh37 (hg19) VCF-style: chr8-145139420-TG-T.
Other names: short protein forms G307fs.
Identifiers: ClinVar variation 453249 (VCV000453249.5), dbSNP rs1554764067, ClinGen allele CA658657835.